The following is an entry in ClinVar:

ClinVar aggregate classification (germline): Uncertain significance (1 of 4 stars; one submission).

Submission:

Labcorp Genetics (formerly Invitae), Labcorp
Classification: Uncertain significance. Last evaluated: 2024-11-05. Review status: criteria provided, single submitter. Criteria: Invitae Variant Classification Sherloc (09022015). Collection method: clinical testing. Allele origin: germline.
Comment: This sequence change replaces cysteine, which is neutral and slightly polar, with phenylalanine, which is neutral and non-polar, at codon 893 of the GRM7 protein (p.Cys893Phe). This variant is not present in population databases (gnomAD no frequency). This variant has not been reported in the literature in individuals affected with GRM7-related conditions. ClinVar contains an entry for this variant (Variation ID: 2110094). An algorithm developed to predict the effect of missense changes on protein structure and function (PolyPhen-2) suggests that this variant is likely to be disruptive. In summary, the available evidence is currently insufficient to determine the role of this variant in disease. Therefore, it has been classified as a Variant of Uncertain Significance.

NM_000844.4(GRM7):c.2678G>T (p.Cys893Phe)

Gene: GRM7 (glutamate metabotropic receptor 7; plus strand). Cytogenetic location: 3p26.1.
Variant type: single nucleotide variant.
Coding change: c.2678G>T on transcript NM_000844.4 (MANE Select); coding-DNA position 2678, G replaced by T.
Protein change: p.Cys893Phe; replaces cysteine 893 with phenylalanine.
Molecular consequence: missense variant.
Genome position (GRCh38, 1-based): chr3:7,680,275, G>T. VCF-style: chr3-7680275-G-T. GRCh37 (hg19) VCF-style: chr3-7721962-G-T.
Other names: c.2678G>T, p.Cys893Phe (NM_181874.3); short protein forms C893F.
Identifiers: ClinVar variation 2110094 (VCV002110094.4), dbSNP rs2470248147, ClinGen allele CA351802186.